The following is an entry in ClinVar:

ClinVar aggregate classification (germline): Uncertain significance (1 of 4 stars; one submission).

gnomAD v4.1: 3 of 1,613,880 alleles (0.00019%); highest among the groups gnomAD compares: African/African-American, 0.004%; no homozygotes.

Submission:

ARUP Laboratories, Molecular Genetics and Genomics, ARUP Laboratories
Classification: Uncertain significance. Last evaluated: 2025-06-17. Review status: criteria provided, single submitter. Criteria: ARUP Molecular Germline Variant Investigation Process 2024. Collection method: clinical testing. Allele origin: germline.
Comment: The CFTR c.2111C>T; p.Pro704Leu variant (rs776162972) is reported in the literature in the compound heterozygous state with F508del in an individual with clinical suspicion of a CFTR-related disorder (Levy 2016). This variant is only observed on two alleles in the Genome Aggregation Database (v2.1.1), indicating it is not a common polymorphism. Computational analyses are uncertain whether this variant is neutral or deleterious (REVEL: 0.537). Due to limited information, the clinical significance of this variant is uncertain at this time. References: Levy H et al. Refining the continuum of CFTR-associated disorders in the era of newborn screening. Clin Genet. 2016 May;89(5):539-49. PMID: 26671754.

NM_000492.4(CFTR):c.2111C>T (p.Pro704Leu)

Gene: CFTR (CF transmembrane conductance regulator; plus strand). Cytogenetic location: 7q31.2.
Variant type: single nucleotide variant.
Coding change: c.2111C>T on transcript NM_000492.4 (MANE Select); coding-DNA position 2111, C replaced by T.
Protein change: p.Pro704Leu; replaces proline 704 with leucine.
Molecular consequence: missense variant.
Genome position (GRCh38, 1-based): chr7:117,592,278, C>T. VCF-style: chr7-117592278-C-T. GRCh37 (hg19) VCF-style: chr7-117232332-C-T.
Other names: short protein forms P704L.
Identifiers: ClinVar variation 4685894 (VCV004685894.1).